The following is an entry in ClinVar:

ClinVar aggregate classification (germline): Uncertain significance (1 of 4 stars; one submission).

Conditions:
Tuberous sclerosis 2 (TSC2). Identifiers: Orphanet 805, MedGen C1860707, MONDO:0013199, OMIM 613254.

Submission:

Labcorp Genetics (formerly Invitae), Labcorp
Classification: Uncertain significance for Tuberous sclerosis 2. Last evaluated: 2023-06-05. Review status: criteria provided, single submitter. Criteria: Invitae Variant Classification Sherloc (09022015). Collection method: clinical testing. Allele origin: unknown.
Comment: In summary, the available evidence is currently insufficient to determine the role of this variant in disease. Therefore, it has been classified as a Variant of Uncertain Significance. Experimental studies and prediction algorithms are not available or were not evaluated, and the functional significance of this variant is currently unknown. This variant has not been reported in the literature in individuals affected with TSC2-related conditions. This variant results in a copy number gain of the genomic region encompassing exon(s) 13-42 of the TSC2 gene. This region includes the termination codon of the gene. This copy number gain extends beyond the assayed region for this gene and therefore may encompass additional genes. As the precise location of this event is unknown, it may be in tandem or it may be located elsewhere in the genome.

NC_000016.9:g.(?_2112488)_(2143097_?)dup

Genes: MIR1225 (microRNA 1225; minus strand), PKD1 (polycystin 1, transient receptor potential channel interacting; minus strand), TSC2 (TSC complex subunit 2; plus strand). Cytogenetic location: 16p13.3.
Variant type: Duplication.
Identifiers: ClinVar variation 3243467 (VCV003243467.1).